The following is an entry in ClinVar:

NM_006618.5(KDM5B):c.3592G>A (p.Ala1198Thr)

Gene: KDM5B (lysine demethylase 5B; minus strand). Cytogenetic location: 1q32.1.
Variant type: single nucleotide variant.
Coding change: c.3592G>A on transcript NM_006618.5 (MANE Select); coding-DNA position 3592, G replaced by A.
Protein change: p.Ala1198Thr; replaces alanine 1198 with threonine.
Molecular consequence: missense variant.
Genome position (GRCh38, 1-based): chr1:202,733,718, C>T on the plus strand (G>A on the coding strand, the complement: KDM5B is on the minus strand). VCF-style: chr1-202733718-C-T. GRCh37 (hg19) VCF-style: chr1-202702846-C-T.
Other names: c.3700G>A, p.Ala1234Thr (NM_001314042.2); c.3457G>A, p.Ala1153Thr (NM_001347591.2); c.3577G>A, p.Ala1193Thr (NM_001399817.1); short protein forms A1153T, A1234T, A1198T, A1193T.
Identifiers: ClinVar variation 1032469 (VCV001032469.2), dbSNP rs549414130, ClinGen allele CA1334155.

ClinVar aggregate classification (germline): Uncertain significance (1 of 4 stars; one submission).

Conditions:
Intellectual developmental disorder, autosomal recessive 65. Also called: Intellectual disability, autosomal recessive 65; MENTAL RETARDATION, AUTOSOMAL RECESSIVE 65. Identifiers: MedGen C4748219, MONDO:0020850, OMIM 618109.

Allele frequency attached by ClinVar (database versions not stated): ExAC 0.00001; 1000 Genomes Project 30x 0.00016; gnomAD 0.00001; gnomAD exomes 0.00001 and below 0.00001; 1000 Genomes Project 0.00020.
gnomAD v4.1: 3 of 1,614,162 alleles (0.00019%); highest among the groups gnomAD compares: South Asian, 0.0033%; no homozygotes.

Submission:

Baylor Genetics
Classification: Uncertain significance for Intellectual developmental disorder, autosomal recessive 65. Last evaluated: 2018-11-05. Review status: criteria provided, single submitter. Criteria: ACMG Guidelines, 2015. Collection method: clinical testing. Allele origin: unknown. Affected: yes.
Comment: This variant was determined to be of uncertain significance according to ACMG Guidelines, 2015 [PMID:25741868].